The following is an entry in ClinVar:

ClinVar aggregate classification (germline): Likely benign (1 of 4 stars; one submission).

Submission:

CeGaT Center for Human Genetics Tuebingen
Classification: Likely benign. Last evaluated: 2025-06-01. Review status: criteria provided, single submitter. Criteria: CeGaT Center For Human Genetics Tuebingen Variant Classification Criteria Version 2. Collection method: clinical testing. Allele origin: germline. Affected: yes. Observed: 1 variant allele.
Comment: B3GNT2: BP4, BP7

NM_006577.6(B3GNT2):c.592C>T (p.Leu198=)

Gene: B3GNT2 (UDP-GlcNAc:betaGal beta-1,3-N-acetylglucosaminyltransferase 2; plus strand). Cytogenetic location: 2p15.
Variant type: single nucleotide variant.
Coding change: c.592C>T on transcript NM_006577.6 (MANE Select); coding-DNA position 592, C replaced by T.
Protein change: p.Leu198=; no amino-acid change (leucine 198 retained).
Molecular consequence: synonymous variant.
Genome position (GRCh38, 1-based): chr2:62,222,812, C>T. VCF-style: chr2-62222812-C-T. GRCh37 (hg19) VCF-style: chr2-62449947-C-T.
Other names: c.592C>T, p.Leu198= (NM_001319075.2).
Identifiers: ClinVar variation 3905324 (VCV003905324.10).